The following is an entry in ClinVar:

NM_001164508.2(NEB):c.18113A>G (p.Asn6038Ser)

Gene: NEB (nebulin; minus strand). Cytogenetic location: 2q23.3.
Variant type: single nucleotide variant.
Coding change: c.18113A>G on transcript NM_001164508.2 (MANE Select); coding-DNA position 18113, A replaced by G.
Protein change: p.Asn6038Ser; replaces asparagine 6038 with serine.
Molecular consequence: missense variant.
Genome position (GRCh38, 1-based): chr2:151,567,211, T>C on the plus strand (A>G on the coding strand, the complement: NEB is on the minus strand). VCF-style: chr2-151567211-T-C. GRCh37 (hg19) VCF-style: chr2-152423725-T-C.
Other names: p.Asn6038Ser; c.18113A>G, p.Asn6038Ser (NM_001164507.2, NM_001271208.2); c.13010A>G, p.Asn4337Ser (NM_004543.5); short protein forms N6038S, N4337S.
Identifiers: ClinVar variation 129712 (VCV000129712.25), dbSNP rs16830236, ClinGen allele CA153896.

ClinVar aggregate classification (germline): Benign/Likely benign. Review status: criteria provided, multiple submitters, no conflicts (2 of 4 stars). 9 submissions from 9 submitters: Benign (6); Likely benign (1). 2 of the submissions do not count toward it. Last evaluated 2026-02-04.

Conditions:
Nemaline myopathy 2 (NEM2). Also called: Nemaline myopathy 2, autosomal recessive. Identifiers: MedGen C1850569, MONDO:0009725, OMIM 256030.
Arthrogryposis multiplex congenita 6. Identifiers: MedGen C5543431, MONDO:0030281, OMIM 619334.

Allele frequency attached by ClinVar (database versions not stated): TOPMed 0.01232; 1000 Genomes Project 30x 0.01249; gnomAD exomes 0.00115 and 0.00289; ExAC 0.00351; gnomAD 0.01099 and 0.01192; ESP Exome Variant Server 0.01122; 1000 Genomes Project 0.01198.
gnomAD v4.1: 3,417 of 1,613,174 alleles (0.21%); highest among the groups gnomAD compares: African/African-American, 3.9%; 71 homozygotes.

Submissions (9):

Labcorp Genetics (formerly Invitae), Labcorp
Classification: Benign for Nemaline myopathy 2. Last evaluated: 2026-02-04. Review status: criteria provided, single submitter. Criteria: Invitae Variant Classification Sherloc (09022015). Collection method: clinical testing. Allele origin: germline.

Mayo Clinic Laboratories, Mayo Clinic
Classification: Benign. Last evaluated: 2022-09-02. Review status: criteria provided, single submitter. Criteria: ACMG Guidelines, 2015. Collection method: clinical testing. Allele origin: germline. Observed: 5 variant alleles.
Comment: BS1, BS2, BP4

Fulgent Genetics
Classification: Likely benign for Nemaline myopathy 2; Arthrogryposis multiplex congenita 6. Last evaluated: 2021-12-20. Review status: criteria provided, single submitter. Criteria: ACMG Guidelines, 2015. Collection method: clinical testing. Allele origin: unknown.

Athena Diagnostics
Classification: Benign. Last evaluated: 2018-05-25. Review status: criteria provided, single submitter. Criteria: Athena Diagnostics Criteria. Collection method: clinical testing. Allele origin: germline.

Illumina Laboratory Services, Illumina
Classification: Benign for Nemaline myopathy 2. Last evaluated: 2018-01-13. Review status: criteria provided, single submitter. Criteria: ICSL Variant Classification Criteria 13 December 2019. Collection method: clinical testing. Allele origin: germline.
Comment: This variant was observed in the ICSL laboratory as part of a predisposition screen in an ostensibly healthy population. It had not been previously curated by ICSL or reported in the Human Gene Mutation Database (HGMD: prior to June 1st, 2018), and was therefore a candidate for classification through an automated scoring system. Utilizing variant allele frequency, disease prevalence and penetrance estimates, and inheritance mode, an automated score was calculated to assess if this variant is too frequent to cause the disease. Based on the score and internal cut-off values, a variant classified as benign is not then subjected to further curation. The score for this variant resulted in a classification of benign for this disease.

GeneDx
Classification: Benign. Last evaluated: 2016-05-12. Review status: criteria provided, single submitter. Criteria: GeneDx Variant Classification (06012015). Collection method: clinical testing. Allele origin: germline. Affected: yes.
Comment: This variant is considered likely benign or benign based on one or more of the following criteria: it is a conservative change, it occurs at a poorly conserved position in the protein, it is predicted to be benign by multiple in silico algorithms, and/or has population frequency not consistent with disease.

Breakthrough Genomics
Classification: Benign. Review status: criteria provided, single submitter. Criteria: ACMG Guidelines, 2015. Collection method: not provided. Allele origin: germline. Inheritance: Autosomal recessive inheritance. Affected: yes.

Natera, Inc.
Classification: Benign for Nemaline myopathy type 2. Last evaluated: 2020-09-16. Review status: no assertion criteria provided. Collection method: clinical testing. Allele origin: germline. Not counted in ClinVar's aggregate classification.

Genetic Services Laboratory, University of Chicago
Classification: Likely benign for AllHighlyPenetrant. Review status: no assertion criteria provided. Collection method: clinical testing. Allele origin: germline. Inheritance: Autosomal recessive inheritance. Not counted in ClinVar's aggregate classification.
Comment: Likely benign based on allele frequency in 1000 Genomes Project or ESP global frequency and its presence in a patient with a rare or unrelated disease phenotype. NOT Sanger confirmed.